The following is an entry in ClinVar:

ClinVar aggregate classification (germline): Likely benign (0 of 4 stars; one submission).

Conditions:
LRIG1-related disorder. Also called: LRIG1-related condition.

Allele frequency attached by ClinVar (database versions not stated): ESP Exome Variant Server 0.00031; 1000 Genomes Project 30x 0.00047; 1000 Genomes Project 0.00060; TOPMed 0.00062; gnomAD 0.00072; gnomAD exomes 0.00072; ExAC 0.00080.
gnomAD v4.1: 1,153 of 1,611,242 alleles (0.072%); highest among the groups gnomAD compares: South Asian, 0.15%; 2 homozygotes.

Submission:

PreventionGenetics, part of Exact Sciences
Classification: Likely benign for LRIG1-related condition. Last evaluated: 2020-01-28. Review status: no assertion criteria provided. Collection method: clinical testing. Allele origin: germline.
Comment: This variant is classified as likely benign based on ACMG/AMP sequence variant interpretation guidelines (Richards et al. 2015 PMID: 25741868, with internal and published modifications).

NM_015541.3(LRIG1):c.1789+6G>A

Gene: LRIG1 (leucine rich repeats and immunoglobulin like domains 1; minus strand). Cytogenetic location: 3p14.1.
Variant type: single nucleotide variant.
Coding change: c.1789+6G>A on transcript NM_015541.3 (MANE Select); 6 bases into the intron after coding-DNA position 1789, G replaced by A.
Molecular consequence: intron variant.
Genome position (GRCh38, 1-based): chr3:66,385,975, C>T on the plus strand (G>A on the coding strand, the complement: LRIG1 is on the minus strand). VCF-style: chr3-66385975-C-T. GRCh37 (hg19) VCF-style: chr3-66436399-C-T.
Other names: c.1009+6G>A (NM_001377345.1, NM_001377346.1); c.1714+6G>A (NM_001377344.1); c.787+6G>A (NM_001377347.1); c.505+6G>A (NM_001377349.1); c.760+6G>A (NM_001377348.1).
Identifiers: ClinVar variation 3052274 (VCV003052274.2), dbSNP rs184910907, ClinGen allele CA2484639.
Genomic context (GRCh38, chr3:66,385,975, plus strand): 5'-TGAAAGGGCAATCAGGAGTGTGCTTTGTAGGATTCTGGTACTATAACAAAGATGGTGTTT[C>T]CATACCATTCACGGTGAGCCTGGCCTTATGTGAATAGGTGGAGCCAAAGTGGTTGGTGAT-3'